The following is an entry in ClinVar:

NM_032608.7(MYO18B):c.4217C>G (p.Ala1406Gly)

Gene: MYO18B (myosin XVIIIB; plus strand). Cytogenetic location: 22q12.1.
Variant type: single nucleotide variant.
Coding change: c.4217C>G on transcript NM_032608.7 (MANE Select); coding-DNA position 4217, C replaced by G.
Protein change: p.Ala1406Gly; replaces alanine 1406 with glycine.
Molecular consequence: missense variant.
Genome position (GRCh38, 1-based): chr22:25,876,325, C>G. VCF-style: chr22-25876325-C-G. GRCh37 (hg19) VCF-style: chr22-26272292-C-G.
Other names: c.4220C>G, p.Ala1407Gly (NM_001318245.2); c.4217C>G (NM_032608.5); short protein forms A1406G, A1407G.
Identifiers: ClinVar variation 1505036 (VCV001505036.6), dbSNP rs761201347, ClinGen allele CA10160790.

ClinVar aggregate classification (germline): Uncertain significance. Review status: criteria provided, multiple submitters, no conflicts (2 of 4 stars). 2 submissions from 2 submitters: Uncertain significance (2). Last evaluated 2025-01-10.

Conditions:
Inborn genetic diseases. Identifiers: MedGen C0950123, MeSH D030342.

Allele frequency attached by ClinVar (database versions not stated): ExAC 0.00001; TOPMed 0.00004; gnomAD 0.00004.
gnomAD v4.1: 151 of 1,610,144 alleles (0.0094%); highest among the groups gnomAD compares: Non-Finnish European, 0.012%; no homozygotes.

Submissions (2):

Ambry Genetics
Classification: Uncertain significance for Inborn genetic diseases. Last evaluated: 2025-01-10. Review status: criteria provided, single submitter. Criteria: Ambry Variant Classification Scheme 2023. Collection method: clinical testing. Allele origin: germline.

Labcorp Genetics (formerly Invitae), Labcorp
Classification: Uncertain significance. Last evaluated: 2021-08-14. Review status: criteria provided, single submitter. Criteria: Invitae Variant Classification Sherloc (09022015). Collection method: clinical testing. Allele origin: germline.
Comment: This sequence change replaces alanine with glycine at codon 1406 of the MYO18B protein (p.Ala1406Gly). The alanine residue is moderately conserved and there is a small physicochemical difference between alanine and glycine. This variant is present in population databases (rs761201347, ExAC 0.002%). This variant has not been reported in the literature in individuals affected with MYO18B-related conditions. Algorithms developed to predict the effect of missense changes on protein structure and function are either unavailable or do not agree on the potential impact of this missense change (SIFT: "Not Available"; PolyPhen-2: "Probably Damaging"; Align-GVGD: "Not Available"). In summary, the available evidence is currently insufficient to determine the role of this variant in disease. Therefore, it has been classified as a Variant of Uncertain Significance.